The following is an entry in ClinVar:

ClinVar aggregate classification (germline): Conflicting classifications of pathogenicity. Review status: criteria provided, conflicting classifications (1 of 4 stars). 3 submissions from 3 submitters: Uncertain significance (1); Benign (1); Likely benign (1). Last evaluated 2026-02-03.

Conditions:
Oculofaciocardiodental syndrome (MCOPS2). Identifiers: Orphanet 2712, MedGen C1846265, MONDO:0010261, OMIM 300166.

Allele frequency attached by ClinVar (database versions not stated): ExAC 0.00002; TOPMed 0.00008; 1000 Genomes Project 0.00053; 1000 Genomes Project 30x 0.00062.
gnomAD v4.1: 76 of 1,211,163 alleles (0.0063%); highest among the groups gnomAD compares: Admixed American, 0.083%; no homozygotes.

Submissions (3):

Women's Health and Genetics/Laboratory Corporation of America, LabCorp
Classification: Likely benign. Last evaluated: 2026-02-03. Review status: criteria provided, single submitter. Criteria: LabCorp Variant Classification Summary - May 2015. Collection method: clinical testing. Allele origin: germline.
Comment: Variant summary: BCOR c.3392G>T (p.Arg1131Leu) results in a non-conservative amino acid change in the encoded protein sequence. Algorithms developed to predict the effect of missense changes on protein structure and function are either unavailable or do not agree on the potential impact of this missense change. The variant allele was found at a frequency of 6.3e-05 in 1211163 control chromosomes, predominantly at a frequency of 0.00083 within the Latino subpopulation in the gnomAD database, including 31 hemizygotes and 45 heterozygous females. Although this frequency is not significantly higher than estimated for disease-causing variants in BCOR, the high number of control individuals with this variant suggest it is likely benign. To our knowledge, no occurrence of c.3392G>T in individuals affected with BCOR-related conditions and no experimental evidence demonstrating its impact on protein function have been reported. ClinVar contains an entry for this variant (Variation ID: 425492). Based on the evidence outlined above, the variant was classified as likely benign.

Labcorp Genetics (formerly Invitae), Labcorp
Classification: Benign for Oculofaciocardiodental syndrome. Last evaluated: 2022-05-03. Review status: criteria provided, single submitter. Criteria: Invitae Variant Classification Sherloc (09022015). Collection method: clinical testing. Allele origin: germline.

CeGaT Center for Human Genetics Tuebingen
Classification: Uncertain significance. Last evaluated: 2017-03-01. Review status: criteria provided, single submitter. Criteria: CeGaT Center For Human Genetics Tuebingen Variant Classification Criteria Version 2. Collection method: clinical testing. Allele origin: germline. Affected: yes. Observed: 1 variant allele.

Literature cited by the submitters: PubMed 24047651 (cited by Women's Health and Genetics/Laboratory Corporation of America, LabCorp); PubMed 22012066 (cited by Women's Health and Genetics/Laboratory Corporation of America, LabCorp); PubMed 28827447 (cited by Women's Health and Genetics/Laboratory Corporation of America, LabCorp); PubMed 30333627 (cited by Women's Health and Genetics/Laboratory Corporation of America, LabCorp); PubMed 29663558 (cited by Women's Health and Genetics/Laboratory Corporation of America, LabCorp).

NM_001123385.2(BCOR):c.3392G>T (p.Arg1131Leu)

Gene: BCOR (BCL6 corepressor; minus strand). Cytogenetic location: Xp11.4.
Variant type: single nucleotide variant.
Coding change: c.3392G>T on transcript NM_001123385.2 (MANE Select); coding-DNA position 3392, G replaced by T.
Protein change: p.Arg1131Leu; replaces arginine 1131 with leucine.
Molecular consequence: missense variant.
Genome position (GRCh38, 1-based): chrX:40,064,446, C>A on the plus strand (G>T on the coding strand, the complement: BCOR is on the minus strand). VCF-style: chrX-40064446-C-A. GRCh37 (hg19) VCF-style: chrX-39923699-C-A.
Other names: c.3392G>T, p.Arg1131Leu (NM_001123383.2, NM_017745.6); c.3338G>T, p.Arg1113Leu (NM_001123384.2); short protein forms R1131L, R1113L.
Identifiers: ClinVar variation 425492 (VCV000425492.48), dbSNP rs758883383, ClinGen allele CA10386643.
Genomic context (GRCh38, chrX:40,064,446, plus strand): 5'-TCCTCCGCAGTGGTCTCAGTGTGGCTGCTGTCACCTGAGACTTTGCGTTTCCTGTCCACC[C>A]GGAGGGTGGGGCTGTGAGGCATGTCCGAGGCCACCTGGTCTGCGGGAGGCTCGCTCACAG-3'
Protein context (NP_001116857.1, residues 1121-1141): ASDMPHSPTL[Arg1131Leu]VDRKRKVSGD